The following is an entry in ClinVar:

ClinVar aggregate classification (germline): Uncertain significance (1 of 4 stars; one submission).

Conditions:
Charcot-Marie-Tooth disease axonal type 2C (HMSN2C). Also called: CHARCOT-MARIE-TOOTH DISEASE, AXONAL, AUTOSOMAL DOMINANT, TYPE 2C; Charcot-Marie-Tooth Neuropathy Type 2C; Charcot-Marie-Tooth Disease Type 2, TRPV4-Related (CMT2C). Identifiers: Orphanet 99937, MedGen C1853710, MONDO:0011633, OMIM 606071.

gnomAD v4.1: 2 of 1,614,066 alleles (0.00012%); highest among the groups gnomAD compares: Non-Finnish European, 0.00017%; no homozygotes.

Submission:

Labcorp Genetics (formerly Invitae), Labcorp
Classification: Uncertain significance for Charcot-Marie-Tooth disease axonal type 2C. Last evaluated: 2022-10-05. Review status: criteria provided, single submitter. Criteria: Invitae Variant Classification Sherloc (09022015). Collection method: clinical testing. Allele origin: germline.
Comment: This sequence change replaces methionine, which is neutral and non-polar, with lysine, which is basic and polar, at codon 534 of the TRPV4 protein (p.Met534Lys). In summary, the available evidence is currently insufficient to determine the role of this variant in disease. Therefore, it has been classified as a Variant of Uncertain Significance. Algorithms developed to predict the effect of missense changes on protein structure and function (SIFT, PolyPhen-2, Align-GVGD) all suggest that this variant is likely to be tolerated. ClinVar contains an entry for this variant (Variation ID: 1382925). This variant has not been reported in the literature in individuals affected with TRPV4-related conditions. This variant is not present in population databases (gnomAD no frequency).

NM_021625.5(TRPV4):c.1601T>A (p.Met534Lys)

Gene: TRPV4 (transient receptor potential cation channel subfamily V member 4; minus strand). Cytogenetic location: 12q24.11.
Variant type: single nucleotide variant.
Coding change: c.1601T>A on transcript NM_021625.5 (MANE Select); coding-DNA position 1601, T replaced by A.
Protein change: p.Met534Lys; replaces methionine 534 with lysine.
Molecular consequence: missense variant.
Genome position (GRCh38, 1-based): chr12:109,793,584, A>T on the plus strand (T>A on the coding strand, the complement: TRPV4 is on the minus strand). VCF-style: chr12-109793584-A-T. GRCh37 (hg19) VCF-style: chr12-110231389-A-T.
Other names: c.1421T>A, p.Met474Lys (NM_147204.3); c.1460T>A, p.Met487Lys (NM_001177428.2); c.1499T>A, p.Met500Lys (NM_001177431.2); c.1280T>A, p.Met427Lys (NM_001177433.2); short protein forms M427K, M500K, M534K, M474K, M487K.
Identifiers: ClinVar variation 1382925 (VCV001382925.6), dbSNP rs775011025, ClinGen allele CA386651661.
Genomic context (GRCh38, chr12:109,793,584, plus strand): 5'-CACTAGAGCAGCTGGAAGGAGCCATCAATGAAGAGAGAATTCACTCCAGGGCATTTCTTC[A>T]TGAACAAGTCTTTGATCTGGAAGACAGGAGGGGGCACGTGAAAGGGGTGGGGCCAGCAGG-3'
Protein context (NP_067638.3, residues 524-544): FFFTNIKDLF[Met534Lys]KKCPGVNSLF